The following is an entry in ClinVar:

ClinVar aggregate classification (germline): Uncertain significance (1 of 4 stars; one submission).

Conditions:
HERC1-related disorder. Also called: HERC1-related condition.

Submission:

PreventionGenetics, part of Exact Sciences
Classification: Uncertain significance for HERC1-related condition. Last evaluated: 2026-07-31. Review status: criteria provided, single submitter. Criteria: ACMG Guidelines, 2015. Collection method: clinical testing. Allele origin: germline.
Comment: The HERC1 c.14400+1G>A variant is predicted to disrupt the GT donor site and interfere with normal splicing. To our knowledge, this variant has not been reported in the literature or in a large population database, indicating this variant is rare. A limited number of loss-of-function variants in this gene have been reported in association with autosomal recessive disease to date. At this time, the clinical significance of this variant is uncertain due to the absence of conclusive functional and genetic evidence.

NM_003922.4(HERC1):c.14400+1G>A

Gene: HERC1 (HECT and RLD domain containing E3 ubiquitin protein ligase family member 1; minus strand). Cytogenetic location: 15q22.31.
Variant type: single nucleotide variant.
Coding change: c.14400+1G>A on transcript NM_003922.4 (MANE Select); the canonical splice donor site of the intron after coding-DNA position 14400, G replaced by A.
Molecular consequence: splice donor variant.
Genome position (GRCh38, 1-based): chr15:63,612,250, C>T on the plus strand (G>A on the coding strand, the complement: HERC1 is on the minus strand). VCF-style: chr15-63612250-C-T. GRCh37 (hg19) VCF-style: chr15-63904449-C-T.
Identifiers: ClinVar variation 3347743 (VCV003347743.2).
Genomic context (GRCh38, chr15:63,612,250, plus strand): 5'-CAAAAACAACAATGAAGCAATAAGGCAGACATTACAAAGGAAAAAAGAATAGCTTACTTA[C>T]CCTATCAACCTTCATGATTTGAAATCTCTGAGAAATGTCAGCAGTGTTGGCTGGTAGTCG-3'